The following is an entry in ClinVar:

NM_001170629.2(CHD8):c.1437C>T (p.Asn479=)

Gene: CHD8 (chromodomain helicase DNA binding protein 8; minus strand). Cytogenetic location: 14q11.2.
Variant type: single nucleotide variant.
Coding change: c.1437C>T on transcript NM_001170629.2 (MANE Select); coding-DNA position 1437, C replaced by T.
Protein change: p.Asn479=; no amino-acid change (asparagine 479 retained).
Molecular consequence: synonymous variant.
Genome position (GRCh38, 1-based): chr14:21,428,033, G>A on the plus strand (C>T on the coding strand, the complement: CHD8 is on the minus strand). VCF-style: chr14-21428033-G-A. GRCh37 (hg19) VCF-style: chr14-21896192-G-A.
Other names: c.600C>T, p.Asn200= (NM_020920.4).
Identifiers: ClinVar variation 588613 (VCV000588613.49), dbSNP rs61744173, ClinGen allele CA7091782.

ClinVar aggregate classification (germline): Benign/Likely benign. Review status: criteria provided, multiple submitters, no conflicts (2 of 4 stars). 7 submissions from 7 submitters: Benign (3); Likely benign (3). 1 of the submissions does not count toward it. Last evaluated 2026-09-01.

Conditions:
CHD8-related disorder. Also called: CHD8-related disorders; CHD8-related condition.
Inborn genetic diseases. Identifiers: MedGen C0950123, MeSH D030342.

Allele frequency attached by ClinVar (database versions not stated): ESP Exome Variant Server 0.00862; gnomAD exomes 0.00885 and 0.01261; gnomAD 0.00897 and 0.00858; 1000 Genomes Project 30x 0.00203; 1000 Genomes Project 0.00220; TOPMed 0.00732; ExAC 0.00844.
gnomAD v4.1: 19,522 of 1,614,036 alleles (1.2%); highest among the groups gnomAD compares: Non-Finnish European, 1.4%; 153 homozygotes.

Submissions (7):

CeGaT Center for Human Genetics Tuebingen
Classification: Benign. Last evaluated: 2026-09-01. Review status: criteria provided, single submitter. Criteria: CeGaT Center For Human Genetics Tuebingen Variant Classification Criteria Version 2. Collection method: clinical testing. Allele origin: germline. Affected: yes. Observed: 49 variant alleles.
Comment: CHD8: BP4, BP7, BS1, BS2

Labcorp Genetics (formerly Invitae), Labcorp
Classification: Benign. Last evaluated: 2026-02-03. Review status: criteria provided, single submitter. Criteria: Invitae Variant Classification Sherloc (09022015). Collection method: clinical testing. Allele origin: germline.

Blueprint Genetics
Classification: Likely benign. Last evaluated: 2024-11-27. Review status: criteria provided, single submitter. Criteria: ACMG Guidelines, 2015. Collection method: clinical testing. Allele origin: germline.

GeneDx
Classification: Likely benign. Last evaluated: 2020-09-16. Review status: criteria provided, single submitter. Criteria: GeneDx Variant Classification Process June 2021. Collection method: clinical testing. Allele origin: germline. Affected: yes.

Ambry Genetics
Classification: Benign for Inborn genetic diseases. Last evaluated: 2016-05-12. Review status: criteria provided, single submitter. Criteria: Ambry Variant Classification Scheme 2023. Collection method: clinical testing. Allele origin: germline.

Breakthrough Genomics
Classification: Likely benign. Review status: criteria provided, single submitter. Criteria: ACMG Guidelines, 2015. Collection method: not provided. Allele origin: germline. Inheritance: Autosomal dominant inheritance. Affected: yes.

PreventionGenetics, part of Exact Sciences
Classification: Benign for CHD8-related condition. Last evaluated: 2022-12-01. Review status: no assertion criteria provided. Collection method: clinical testing. Allele origin: germline. Not counted in ClinVar's aggregate classification.
Comment: This variant is classified as benign based on ACMG/AMP sequence variant interpretation guidelines (Richards et al. 2015 PMID: 25741868, with internal and published modifications).